The following is an entry in ClinVar:

NM_001347721.2(DYRK1A):c.1022T>A (p.Ile341Asn)

Gene: DYRK1A (dual specificity tyrosine phosphorylation regulated kinase 1A; plus strand). Cytogenetic location: 21q22.13.
Variant type: single nucleotide variant.
Coding change: c.1022T>A on transcript NM_001347721.2 (MANE Select); coding-DNA position 1022, T replaced by A.
Protein change: p.Ile341Asn; replaces isoleucine 341 with asparagine.
Molecular consequence: missense variant.
Genome position (GRCh38, 1-based): chr21:37,493,114, T>A. VCF-style: chr21-37493114-T-A. GRCh37 (hg19) VCF-style: chr21-38865416-T-A.
Other names: c.1022T>A, p.Ile341Asn (NM_001347722.2, NM_130436.2); c.935T>A, p.Ile312Asn (NM_001347723.2); c.1049T>A, p.Ile350Asn (NM_001396.5, NM_101395.2, NM_130438.2); short protein forms I350N, I312N, I341N.
Identifiers: ClinVar variation 1491162 (VCV001491162.6), dbSNP rs2148619737, ClinGen allele CA409936580.

ClinVar aggregate classification (germline): Uncertain significance (1 of 4 stars; one submission).

Conditions:
DYRK1A-related intellectual disability syndrome (MRD7). Also called: DYRK1A Syndrome; Intellectual developmental disorder, autosomal dominant 7. Identifiers: Orphanet 464306, MedGen C5568143, MONDO:0013578, OMIM 614104.

Submission:

Labcorp Genetics (formerly Invitae), Labcorp
Classification: Uncertain significance for DYRK1A-related intellectual disability syndrome. Last evaluated: 2021-08-25. Review status: criteria provided, single submitter. Criteria: Invitae Variant Classification Sherloc (09022015). Collection method: clinical testing. Allele origin: germline.
Comment: In summary, the available evidence is currently insufficient to determine the role of this variant in disease. Therefore, it has been classified as a Variant of Uncertain Significance. Advanced modeling of protein sequence and biophysical properties (such as structural, functional, and spatial information, amino acid conservation, physicochemical variation, residue mobility, and thermodynamic stability) performed at Invitae indicates that this missense variant is expected to disrupt DYRK1A protein function. This variant has not been reported in the literature in individuals affected with DYRK1A-related conditions. This variant is not present in population databases (ExAC no frequency). This sequence change replaces isoleucine with asparagine at codon 350 of the DYRK1A protein (p.Ile350Asn). The isoleucine residue is highly conserved and there is a large physicochemical difference between isoleucine and asparagine.